The following is an entry in ClinVar:

NM_198935.3(SS18L1):c.721+10G>A

Gene: SS18L1 (SS18L1 subunit of BAF chromatin remodeling complex; plus strand). Cytogenetic location: 20q13.33.
Variant type: single nucleotide variant.
Coding change: c.721+10G>A on transcript NM_198935.3 (MANE Select); 10 bases into the intron after coding-DNA position 721, G replaced by A.
Molecular consequence: intron variant.
Genome position (GRCh38, 1-based): chr20:62,163,632, G>A. VCF-style: chr20-62163632-G-A. GRCh37 (hg19) VCF-style: chr20-60738688-G-A.
Other names: c.328+10G>A (NM_001301778.2).
Identifiers: ClinVar variation 3043183 (VCV003043183.2), dbSNP rs776923856, ClinGen allele CA9937226.

ClinVar aggregate classification (germline): Likely benign (0 of 4 stars; one submission).

Conditions:
SS18L1-related disorder. Also called: SS18L1-related condition.

Allele frequency attached by ClinVar (database versions not stated): ExAC 0.00015; TOPMed 0.00017; gnomAD 0.00018.
gnomAD v4.1: 66 of 1,561,942 alleles (0.0042%); highest among the groups gnomAD compares: African/African-American, 0.063%; no homozygotes.

Submission:

PreventionGenetics, part of Exact Sciences
Classification: Likely benign for SS18L1-related condition. Last evaluated: 2019-07-10. Review status: no assertion criteria provided. Collection method: clinical testing. Allele origin: germline.
Comment: This variant is classified as likely benign based on ACMG/AMP sequence variant interpretation guidelines (Richards et al. 2015 PMID: 25741868, with internal and published modifications).